The following is an entry in ClinVar:

NM_002576.5(PAK1):c.850G>A (p.Val284Met)

Gene: PAK1 (p21 (RAC1) activated kinase 1; minus strand). Cytogenetic location: 11q13.5.
Variant type: single nucleotide variant.
Coding change: c.850G>A on transcript NM_002576.5 (MANE Select); coding-DNA position 850, G replaced by A.
Protein change: p.Val284Met; replaces valine 284 with methionine.
Molecular consequence: missense variant. On other transcripts: non-coding transcript variant (2), intron variant (1), synonymous variant (1).
Genome position (GRCh38, 1-based): chr11:77,349,274, C>T on the plus strand (G>A on the coding strand, the complement: PAK1 is on the minus strand). VCF-style: chr11-77349274-C-T. GRCh37 (hg19) VCF-style: chr11-77060319-C-T.
Other names: c.850G>A, p.Val284Met (NM_001376282.1, NM_001376283.1, NM_001376284.1 and 23 more transcripts); c.598-5343G>A (NM_001376303.1); c.871G>A, p.Val291Met (NM_001376272.1); c.841G>A, p.Val281Met (NM_001376294.1); c.786G>A, p.Pro262= (NM_001376295.1); c.601G>A, p.Val201Met (NM_001376301.1); c.556G>A, p.Val186Met (NM_001376302.1, NM_001376304.1, NM_001376305.1); short protein forms V186M, V201M, V281M, V284M, V291M.
Identifiers: ClinVar variation 3382595 (VCV003382595.2).

ClinVar aggregate classification (germline): Likely pathogenic (1 of 4 stars; one submission).

Conditions:
Intellectual developmental disorder with macrocephaly, seizures, and speech delay. Identifiers: MedGen C4748428, MONDO:0032568, OMIM 618158.

gnomAD v4.1: 1 of 1,600,080 alleles (0.000062%); no homozygotes.

Submission:

Juno Genomics, Hangzhou Juno Genomics, Inc
Classification: Likely pathogenic for Intellectual developmental disorder with macrocephaly, seizures, and speech delay. Review status: criteria provided, single submitter. Criteria: ACMG Guidelines, 2015. Collection method: clinical testing. Allele origin: germline. Affected: yes.
Comment: Absent from controls (or at extremely low frequency if recessive) in Genome Aggregation Database, Exome Sequencing Project, 1000 Genomes Project, or Exome Aggregation Consortium.;De novo (both maternity and paternity confirmed) in a patient with the disease and no family history.;Located in a mutational hot spot and/or critical and well-established functional domain (e.g. active site of an enzyme) without benign variation.;Multiple lines of computational evidence support a deleterious effect on the gene or gene product (conservation, evolutionary, splicing impact, etc).;Missense variant in a gene that has a low rate of benign missense variation and where missense variants are a common mechanism of disease.